The following is an entry in ClinVar:

NM_006904.7(PRKDC):c.937C>G (p.Leu313Val)

Gene: PRKDC (protein kinase, DNA-activated, catalytic subunit; minus strand). Cytogenetic location: 8q11.21.
Variant type: single nucleotide variant.
Coding change: c.937C>G on transcript NM_006904.7 (MANE Select); coding-DNA position 937, C replaced by G.
Protein change: p.Leu313Val; replaces leucine 313 with valine.
Molecular consequence: missense variant.
Genome position (GRCh38, 1-based): chr8:47,943,238, G>C on the plus strand (C>G on the coding strand, the complement: PRKDC is on the minus strand). VCF-style: chr8-47943238-G-C. GRCh37 (hg19) VCF-style: chr8-48855798-G-C.
Other names: c.937C>G, p.Leu313Val (NM_001081640.2); short protein forms L313V.
Identifiers: ClinVar variation 3425313 (VCV003425313.1).

ClinVar aggregate classification (germline): Uncertain significance (1 of 4 stars; one submission).

Submission:

Ambry Genetics
Classification: Uncertain significance. Last evaluated: 2024-08-31. Review status: criteria provided, single submitter. Criteria: Ambry Variant Classification Scheme 2023. Collection method: clinical testing. Allele origin: germline.
Comment: The p.L313V variant (also known as c.937C>G), located in coding exon 10 of the PRKDC gene, results from a C to G substitution at nucleotide position 937. The leucine at codon 313 is replaced by valine, an amino acid with highly similar properties. This amino acid position is conserved. In addition, this alteration is predicted to be tolerated by in silico analysis. Based on the available evidence, the clinical significance of this variant remains unclear.